The following is an entry in ClinVar:

ClinVar aggregate classification (germline): Uncertain significance (1 of 4 stars; one submission).

Allele frequency attached by ClinVar (database versions not stated): gnomAD exomes below 0.00001; TOPMed below 0.00001; gnomAD 0.00001.

Submission:

Labcorp Genetics (formerly Invitae), Labcorp
Classification: Uncertain significance. Last evaluated: 2022-01-13. Review status: criteria provided, single submitter. Criteria: Invitae Variant Classification Sherloc (09022015). Collection method: clinical testing. Allele origin: germline.
Comment: This sequence change replaces glycine, which is neutral and non-polar, with aspartic acid, which is acidic and polar, at codon 656 of the MME protein (p.Gly656Asp). This variant is present in population databases (no rsID available, gnomAD 0.01%). This variant has not been reported in the literature in individuals affected with MME-related conditions. Algorithms developed to predict the effect of missense changes on protein structure and function are either unavailable or do not agree on the potential impact of this missense change (SIFT: "Tolerated"; PolyPhen-2: "Possibly Damaging"; Align-GVGD: "Class C0"). In summary, the available evidence is currently insufficient to determine the role of this variant in disease. Therefore, it has been classified as a Variant of Uncertain Significance.

NM_007289.4(MME):c.1967G>A (p.Gly656Asp)

Gene: MME (membrane metalloendopeptidase; plus strand). Cytogenetic location: 3q25.2.
Variant type: single nucleotide variant.
Coding change: c.1967G>A on transcript NM_007289.4 (MANE Select); coding-DNA position 1967, G replaced by A.
Protein change: p.Gly656Asp; replaces glycine 656 with aspartic acid.
Molecular consequence: missense variant.
Genome position (GRCh38, 1-based): chr3:155,168,784, G>A. VCF-style: chr3-155168784-G-A. GRCh37 (hg19) VCF-style: chr3-154886573-G-A.
Other names: c.1967G>A, p.Gly656Asp (NM_000902.5, NM_001354642.2, NM_001354643.1 and 2 more transcripts); short protein forms G656D.
Identifiers: ClinVar variation 1990688 (VCV001990688.1), dbSNP rs1400435823, ClinGen allele CA355218788.
Genomic context (GRCh38, chr3:155,168,784, plus strand): 5'-TTTAACAGCTTAATGGAATTAATACACTGGGAGAAAACATTGCTGATAATGGAGGTCTTG[G>A]TCAAGCATACAGAGTAAGTAAAAAAGATTTTCTTTCCATTTTAGTGATTTAGAGTGTTTC-3'
Protein context (NP_009220.2, residues 646-666): GENIADNGGL[Gly656Asp]QAYRAYQNYI